The following is an entry in ClinVar:

ClinVar aggregate classification (germline): Benign/Likely benign. Review status: criteria provided, multiple submitters, no conflicts (2 of 4 stars). 9 submissions from 9 submitters: Benign (1); Likely benign (7). 1 of the submissions does not count toward it. Last evaluated 2026-01-30.

Conditions:
STK11-related disorder. Also called: STK11-related condition.
Hereditary cancer-predisposing syndrome. Also called: Tumor predisposition; Hereditary Cancer Syndrome; Hereditary neoplastic syndrome; Neoplastic Syndromes, Hereditary. Identifiers: Orphanet 140162, MedGen C0027672, MeSH D009386, MONDO:0015356.
Peutz-Jeghers syndrome (PJS). Also called: POLYPOSIS, HAMARTOMATOUS INTESTINAL; POLYPS-AND-SPOTS SYNDROME; Peutz-Jeghers polyposis; Periorificial lentiginosis syndrome. Identifiers: Orphanet 2869, MedGen C0031269, MeSH D010580, MONDO:0008280, OMIM 175200.

Allele frequency attached by ClinVar (database versions not stated): ExAC 0.00001; gnomAD 0.00001; TOPMed 0.00001.

Submissions (9):

Labcorp Genetics (formerly Invitae), Labcorp
Classification: Likely benign for Peutz-Jeghers syndrome. Last evaluated: 2026-01-30. Review status: criteria provided, single submitter. Criteria: Invitae Variant Classification Sherloc (09022015). Collection method: clinical testing. Allele origin: germline.

Myriad Genetics, Inc.
Classification: Benign for Peutz-Jeghers syndrome. Last evaluated: 2025-03-25. Review status: criteria provided, single submitter. Criteria: Myriad Autosomal Dominant, Autosomal Recessive and X-Linked Classification Criteria (2023). Collection method: clinical testing. Allele origin: unknown.
Comment: This variant is considered benign. This variant is a silent/synonymous amino acid change and it is not expected to impact splicing.

All of Us Research Program, National Institutes of Health
Classification: Likely benign for Peutz-Jeghers syndrome. Last evaluated: 2023-08-15. Review status: criteria provided, single submitter. Criteria: ACMG Guidelines, 2015. Collection method: clinical testing. Allele origin: germline. Inheritance: Autosomal dominant inheritance. Observed: 1 variant allele, 1 heterozygote.
Comment: This study involves interpretation of variants in research participants for the purpose of population health screening. Participant phenotype was not available at the time of variant classification. Additional details can be found in publication PMID: 35346344, PMCID: PMC8962531

Sema4
Classification: Likely benign for Hereditary cancer-predisposing syndrome. Last evaluated: 2021-03-24. Review status: criteria provided, single submitter. Criteria: Sema4 Curation Guidelines. Collection method: curation. Allele origin: germline.

Quest Diagnostics Nichols Institute San Juan Capistrano
Classification: Likely benign. Last evaluated: 2018-03-09. Review status: criteria provided, single submitter. Criteria: Quest Diagnostics criteria. Collection method: clinical testing. Allele origin: germline.

Color Diagnostics, LLC DBA Color Health
Classification: Likely benign for Hereditary cancer-predisposing syndrome. Last evaluated: 2017-11-30. Review status: criteria provided, single submitter. Criteria: ACMG Guidelines, 2015. Collection method: clinical testing. Allele origin: germline.

GeneDx
Classification: Likely benign. Last evaluated: 2015-11-04. Review status: criteria provided, single submitter. Criteria: GeneDx Variant Classification (06012015). Collection method: clinical testing. Allele origin: germline. Affected: yes.
Comment: This variant is considered likely benign or benign based on one or more of the following criteria: it is a conservative change, it occurs at a poorly conserved position in the protein, it is predicted to be benign by multiple in silico algorithms, and/or has population frequency not consistent with disease.

Ambry Genetics
Classification: Likely benign for Hereditary cancer-predisposing syndrome. Last evaluated: 2015-03-05. Review status: criteria provided, single submitter. Criteria: Ambry Variant Classification Scheme 2023. Collection method: clinical testing. Allele origin: germline.

PreventionGenetics, part of Exact Sciences
Classification: Likely benign for STK11-related condition. Last evaluated: 2019-11-19. Review status: no assertion criteria provided. Collection method: clinical testing. Allele origin: germline. Not counted in ClinVar's aggregate classification.
Comment: This variant is classified as likely benign based on ACMG/AMP sequence variant interpretation guidelines (Richards et al. 2015 PMID: 25741868, with internal and published modifications).

NM_000455.5(STK11):c.312G>A (p.Arg104=)

Gene: STK11 (serine/threonine kinase 11; plus strand). Cytogenetic location: 19p13.3.
Variant type: single nucleotide variant.
Coding change: c.312G>A on transcript NM_000455.5 (MANE Select); coding-DNA position 312, G replaced by A.
Protein change: p.Arg104=; no amino-acid change (arginine 104 retained).
Molecular consequence: synonymous variant.
Genome position (GRCh38, 1-based): chr19:1,218,438, G>A. VCF-style: chr19-1218438-G-A. GRCh37 (hg19) VCF-style: chr19-1218437-G-A.
Identifiers: ClinVar variation 237798 (VCV000237798.25), dbSNP rs780749732, ClinGen allele CA047051.